The following is an entry in ClinVar:

ClinVar aggregate classification (germline): Pathogenic (1 of 4 stars; one submission).

Submission:

CeGaT Center for Human Genetics Tuebingen
Classification: Pathogenic. Last evaluated: 2024-06-01. Review status: criteria provided, single submitter. Criteria: CeGaT Center For Human Genetics Tuebingen Variant Classification Criteria Version 2. Collection method: clinical testing. Allele origin: germline. Affected: yes. Observed: 3 variant alleles.
Comment: NBEA: PVS1, PM2

NM_001385012.1(NBEA):c.639del (p.Ala213_Val214insTer)

Gene: NBEA (neurobeachin; plus strand). Cytogenetic location: 13q13.3.
Variant type: Deletion.
Coding change: c.639del on transcript NM_001385012.1 (MANE Select); coding-DNA position 639, one base deleted (A; older notation c.639delA).
Protein change: p.Ala213_Val214insTer.
Molecular consequence: frameshift variant.
Genome position (GRCh38, 1-based): chr13:35,045,317, A deleted. VCF-style (leftmost placement, unchanged base first): chr13-35045316-CA-C. GRCh37 (hg19) VCF-style: chr13-35619453-CA-C.
Other names: c.639del, p.Ala213_Val214insTer (NM_001379245.1, NM_015678.5).
Identifiers: ClinVar variation 2578699 (VCV002578699.25), dbSNP rs2502249400, ClinGen allele CA2580617978.
Genomic context (GRCh38, chr13:35,045,316, plus strand): 5'-TGATTGCTAAATTTGTACAATGACATTTCTTTCTTTTATTGTTTCCCCAGCCAAGACATG[CA>C]GTAAAATTATTATCAGTTCTTAATCAGATGCCACAGAGACACGGTCCTGATACTTTTTTC-3'